The following is an entry in ClinVar:

NM_004170.6(SLC1A1):c.875+8A>C

Gene: SLC1A1 (solute carrier family 1 member 1; plus strand). Cytogenetic location: 9p24.2.
Variant type: single nucleotide variant.
Coding change: c.875+8A>C on transcript NM_004170.6 (MANE Select); 8 bases into the intron after coding-DNA position 875, A replaced by C.
Molecular consequence: intron variant.
Genome position (GRCh38, 1-based): chr9:4,574,022, A>C. VCF-style: chr9-4574022-A-C. GRCh37 (hg19) VCF-style: chr9-4574022-A-C.
Other names: p.?.
Identifiers: ClinVar variation 367049 (VCV000367049.8), dbSNP rs12682807, ClinGen allele CA4969145.

ClinVar aggregate classification (germline): Benign. Review status: criteria provided, multiple submitters, no conflicts (2 of 4 stars). 4 submissions from 4 submitters: Benign (4). Last evaluated 2021-05-16.

Conditions:
Dicarboxylic aminoaciduria (DCBXA). Also called: GLUTAMATE-ASPARTATE TRANSPORT DEFECT. Identifiers: Orphanet 2195, MedGen C1857253, MONDO:0009110, OMIM 222730.

Allele frequency attached by ClinVar (database versions not stated): ESP Exome Variant Server 0.07727; gnomAD 0.08497 and 0.08598; TOPMed 0.08823; ExAC 0.10354; 1000 Genomes Project 30x 0.10493; gnomAD exomes 0.10575; 1000 Genomes Project 0.10643.
gnomAD v4.1: 167,857 of 1,565,798 alleles (11%); highest among the groups gnomAD compares: East Asian, 20%; 10,104 homozygotes.

Submissions (4):

GeneDx
Classification: Benign. Last evaluated: 2021-05-16. Review status: criteria provided, single submitter. Criteria: GeneDx Variant Classification Process June 2021. Collection method: clinical testing. Allele origin: germline. Affected: yes.

Mayo Clinic Laboratories, Mayo Clinic
Classification: Benign. Last evaluated: 2021-04-07. Review status: criteria provided, single submitter. Criteria: ACMG Guidelines, 2015. Collection method: clinical testing. Allele origin: germline. Observed: 1 variant allele.

Illumina Laboratory Services, Illumina
Classification: Benign for Dicarboxylic aminoaciduria. Last evaluated: 2018-01-13. Review status: criteria provided, single submitter. Criteria: ICSL Variant Classification Criteria 13 December 2019. Collection method: clinical testing. Allele origin: germline.
Comment: This variant was observed in the ICSL laboratory as part of a predisposition screen in an ostensibly healthy population. It had not been previously curated by ICSL or reported in the Human Gene Mutation Database (HGMD: prior to June 1st, 2018), and was therefore a candidate for classification through an automated scoring system. Utilizing variant allele frequency, disease prevalence and penetrance estimates, and inheritance mode, an automated score was calculated to assess if this variant is too frequent to cause the disease. Based on the score and internal cut-off values, a variant classified as benign is not then subjected to further curation. The score for this variant resulted in a classification of benign for this disease.

Breakthrough Genomics
Classification: Benign. Review status: criteria provided, single submitter. Criteria: ACMG Guidelines, 2015. Collection method: not provided. Allele origin: germline. Inheritance: Autosomal recessive inheritance. Affected: yes.